The following is an entry in ClinVar:

ClinVar aggregate classification (germline): Pathogenic. Review status: criteria provided, multiple submitters, no conflicts (2 of 4 stars). 7 submissions from 7 submitters: Pathogenic (7). Last evaluated 2026-01-06.

Conditions:
Cardiovascular phenotype. Identifiers: MedGen CN230736.
Legius syndrome. Identifiers: Orphanet 137605, MedGen C1969623, MONDO:0012669, OMIM 611431. Disease mechanism: loss of function.

Allele frequency attached by ClinVar (database versions not stated): gnomAD 0.00001; gnomAD exomes below 0.00001; TOPMed below 0.00001.
gnomAD v4.1: 3 of 1,613,704 alleles (0.00019%); highest among the groups gnomAD compares: African/African-American, 0.0013%; no homozygotes.

Submissions (7):

Variantyx, Inc.
Classification: Pathogenic for Legius syndrome. Last evaluated: 2026-01-06. Review status: criteria provided, single submitter. Criteria: Variantyx Assertion Criteria 2022. Collection method: clinical testing. Allele origin: germline. Inheritance: Autosomal dominant inheritance. Affected: yes.
Comment: This is a nonsense variant in the SPRED1 gene (OMIM: 609291). Pathogenic variants in this gene have been associated with autosomal dominant Legius syndrome. This variant introduces a premature termination codon in exon 2 out of 7 and is expected to result in loss of function, which is a known disease mechanism for SPRED1 in this disorder (PMID: 17704776) (PVS1). This variant has been reported in at least 4 unrelated affected individuals (PMID: 28150585, 25074460, 19443465, 19366998) (PS4_Moderate). It has a 0.0013% maximum allele frequency in non-founder control populations (PM2). Based on the current evidence, this variant is classified as pathogenic for autosomal dominant Legius syndrome.

Labcorp Genetics (formerly Invitae), Labcorp
Classification: Pathogenic for Legius syndrome. Last evaluated: 2025-08-12. Review status: criteria provided, single submitter. Criteria: Invitae Variant Classification Sherloc (09022015). Collection method: clinical testing. Allele origin: germline.
Comment: This sequence change creates a premature translational stop signal (p.Arg16*) in the SPRED1 gene. It is expected to result in an absent or disrupted protein product. Loss-of-function variants in SPRED1 are known to be pathogenic (PMID: 17704776). This variant is not present in population databases (gnomAD no frequency). This premature translational stop signal has been observed in individual(s) with Legius syndrome (PMID: 19366998, 19443465, 25074460, 28150585). Invitae Evidence Modeling of clinical and family history, age, sex, and reported ancestry of multiple individuals with this SPRED1 variant has been performed. This variant is expected to be pathogenic with a positive predictive value of at least 99%. This is a validated machine learning model that incorporates the clinical features of 198,265 individuals referred to our laboratory for SPRED1 testing. ClinVar contains an entry for this variant (Variation ID: 372718). For these reasons, this variant has been classified as Pathogenic.

Ambry Genetics
Classification: Pathogenic for Cardiovascular phenotype. Last evaluated: 2025-01-03. Review status: criteria provided, single submitter. Criteria: Ambry Variant Classification Scheme 2023. Collection method: clinical testing. Allele origin: germline.
Comment: The p.R16* pathogenic mutation (also known as c.46C>T), located in coding exon 2 of the SPRED1 gene, results from a C to T substitution at nucleotide position 46. This changes the amino acid from an arginine to a stop codon within coding exon 2. This alteration was seen in both a mother who had cafe au lait spots and punctate dots in her right groin and her daughter who also had cafe au lait spots (Spurlock G, et al. J. Med. Genet. 2009;46(7):431-7). Additionally, this alteration was seen in a father with cafe au lait spots whose son also carried this mutation and had cafe au lait spots, learning disability, and monoblastic acute leukemia (Pasmant E, et al. J. Med. Genet. 2009 Jul; 46(7):425-30). This alteration is expected to result in loss of function by premature protein truncation or nonsense-mediated mRNA decay. As such, this alteration is interpreted as a disease-causing mutation.

GeneDx
Classification: Pathogenic. Last evaluated: 2024-09-15. Review status: criteria provided, single submitter. Criteria: GeneDx Variant Classification Process June 2021. Collection method: clinical testing. Allele origin: germline. Affected: yes.
Comment: Not observed at significant frequency in large population cohorts (gnomAD); Nonsense variant predicted to result in protein truncation or nonsense mediated decay in a gene for which loss of function is a known mechanism of disease; This variant is associated with the following publications: (PMID: 19443465, 19366998, 21548021, 25074460, 28150585, 29351919, 19920235, 17704776, 39031930)

Greenwood Genetic Center Diagnostic Laboratories, Greenwood Genetic Center
Classification: Pathogenic for Legius syndrome. Last evaluated: 2023-05-05. Review status: criteria provided, single submitter. Criteria: ACMG Guidelines, 2015. Collection method: clinical testing. Allele origin: germline. Affected: yes.
Comment: PVS1, PS4, PM2, PM6

Women's Health and Genetics/Laboratory Corporation of America, LabCorp
Classification: Pathogenic for Legius syndrome. Last evaluated: 2020-03-10. Review status: criteria provided, single submitter. Criteria: LabCorp Variant Classification Summary - May 2015. Collection method: clinical testing. Allele origin: germline.
Comment: Variant summary: SPRED1 c.46C>T (p.Arg16X) results in a premature termination codon, predicted to cause a truncation of the encoded protein or absence of the protein due to nonsense mediated decay, which are commonly known mechanisms for disease. The variant was absent in 251148 control chromosomes (gnomAD). c.46C>T has been reported in the literature in individuals affected with Neurofibromatosis type 1-like Syndrome (Legius Syndrome) (e.g. Messiaen_2009, Pasmant_2009, Sekelska_2017, Spurlock_2009). These data indicate that the variant is likely to be associated with disease. Two ClinVar submitters (evaluation after 2014) cite the variant as pathogenic. Based on the evidence outlined above, the variant was classified as pathogenic.

Juno Genomics, Hangzhou Juno Genomics, Inc
Classification: Pathogenic for Legius syndrome. Review status: criteria provided, single submitter. Criteria: ACMG Guidelines, 2015. Collection method: clinical testing. Allele origin: germline. Affected: yes.
Comment: Absent from controls (or at extremely low frequency if recessive) in Genome Aggregation Database, Exome Sequencing Project, 1000 Genomes Project, or Exome Aggregation Consortium.;Null variant in a gene where loss of function (LOF) is a known mechanism of disease.;The prevalence of the variant in affected individuals is significantly increased compared to the prevalence in controls.;Co-segregation with disease in multiple affected family members in a gene definitively known to cause the disease.

Literature cited by the submitters: PubMed 28150585 (cited by 3 submitters); PubMed 25074460 (cited by Variantyx, Inc. and Labcorp Genetics (formerly Invitae), Labcorp); PubMed 19443465 (cited by 4 submitters); PubMed 19366998 (cited by 4 submitters); PubMed 17704776 (cited by Variantyx, Inc. and Labcorp Genetics (formerly Invitae), Labcorp); PubMed 19920235 (cited by Women's Health and Genetics/Laboratory Corporation of America, LabCorp).

NM_152594.3(SPRED1):c.46C>T (p.Arg16Ter)

Gene: SPRED1 (sprouty related EVH1 domain containing 1; plus strand). Cytogenetic location: 15q14.
Variant type: single nucleotide variant.
Coding change: c.46C>T on transcript NM_152594.3 (MANE Select); coding-DNA position 46, C replaced by T.
Protein change: p.Arg16Ter; replaces arginine 16 with a stop codon.
Molecular consequence: nonsense.
Genome position (GRCh38, 1-based): chr15:38,299,386, C>T. VCF-style: chr15-38299386-C-T. GRCh37 (hg19) VCF-style: chr15-38591587-C-T.
Other names: short protein forms R16*.
Identifiers: ClinVar variation 372718 (VCV000372718.19), dbSNP rs1057517941, ClinGen allele CA16042985.